The following is an entry in ClinVar:

NM_002677.5(PMP2):c.235dup (p.Arg79fs)

Gene: PMP2 (peripheral myelin protein 2; minus strand). Cytogenetic location: 8q21.13.
Variant type: Duplication.
Coding change: c.235dup on transcript NM_002677.5 (MANE Select); coding-DNA position 235, one base duplicated (A; older notation c.235dupA).
Protein change: p.Arg79fs; shifts the reading frame from arginine 79.
Molecular consequence: frameshift variant. On other transcripts: intron variant (1).
Genome position (GRCh38, 1-based): chr8:81,444,828, T duplicated on the plus strand (A on the coding strand, the reverse complement: PMP2 is on the minus strand). VCF-style (leftmost placement, unchanged base first): chr8-81444827-C-CT. GRCh37 (hg19) VCF-style: chr8-82357062-C-CT.
Other names: c.74-227dup (NM_001348381.2); short protein forms R79fs.
Identifiers: ClinVar variation 2018734 (VCV002018734.4), dbSNP rs2487481607, ClinGen allele CA2580078949.
Genomic context (GRCh38, chr8:81,444,827, plus strand): 5'-CTCTCAAGCAGCCCACTGGGCCAACTTTGAAGAGAAACATTAAAGATTACCTTGGTCTTT[C>CT]TATTGTCAGCTGTGGTTTCTTCAAATTCCTGGCCTAGCTTGAAGGAGATTTCTGTATTTT-3'

ClinVar aggregate classification (germline): Uncertain significance (1 of 4 stars; one submission).

Submission:

Labcorp Genetics (formerly Invitae), Labcorp
Classification: Uncertain significance. Last evaluated: 2022-07-21. Review status: criteria provided, single submitter. Criteria: Invitae Variant Classification Sherloc (09022015). Collection method: clinical testing. Allele origin: germline.
Comment: This sequence change creates a premature translational stop signal (p.Arg79Lysfs*41) in the PMP2 gene. While this is not anticipated to result in nonsense mediated decay, it is expected to disrupt the last 54 amino acid(s) of the PMP2 protein. This variant is not present in population databases (gnomAD no frequency). This variant has not been reported in the literature in individuals affected with PMP2-related conditions. Experimental studies and prediction algorithms are not available or were not evaluated, and the functional significance of this variant is currently unknown. In summary, the available evidence is currently insufficient to determine the role of this variant in disease. Therefore, it has been classified as a Variant of Uncertain Significance.